The following is an entry in ClinVar:

ClinVar aggregate classification (germline): Uncertain significance (1 of 4 stars; one submission).

Submission:

GeneDx
Classification: Uncertain significance. Last evaluated: 2026-03-19. Review status: criteria provided, single submitter. Criteria: GeneDx Variant Classification Process June 2021. Collection method: clinical testing. Allele origin: germline.
Comment: Not observed at significant frequency in large population cohorts (gnomAD); In silico analysis suggests that this missense variant does not alter protein structure/function; Has not been previously published as pathogenic or benign to our knowledge

NM_005754.3(G3BP1):c.154G>T (p.Ala52Ser)

Gene: G3BP1 (G3BP stress granule assembly factor 1; plus strand). Cytogenetic location: 5q33.1.
Variant type: single nucleotide variant.
Coding change: c.154G>T on transcript NM_005754.3 (MANE Select); coding-DNA position 154, G replaced by T.
Protein change: p.Ala52Ser; replaces alanine 52 with serine.
Molecular consequence: missense variant.
Genome position (GRCh38, 1-based): chr5:151,790,381, G>T. VCF-style: chr5-151790381-G-T. GRCh37 (hg19) VCF-style: chr5-151169942-G-T.
Other names: c.154G>T, p.Ala52Ser (NM_198395.2); short protein forms A52S.
Identifiers: ClinVar variation 3903134 (VCV003903134.2).